The following is an entry in ClinVar:

ClinVar aggregate classification (germline): Uncertain significance (1 of 4 stars; one submission).

Conditions:
Lethal congenital glycogen storage disease of heart. Also called: GLYCOGEN STORAGE DISEASE OF HEART; PHOSPHORYLASE KINASE DEFICIENCY OF HEART. Identifiers: Orphanet 439854, MedGen C1849813, MONDO:0009867, OMIM 261740.

gnomAD v4.1: 2 of 1,613,900 alleles (0.00012%); highest among the groups gnomAD compares: Non-Finnish European, 0.00017%; no homozygotes.

Submission:

Labcorp Genetics (formerly Invitae), Labcorp
Classification: Uncertain significance for Lethal congenital glycogen storage disease of heart. Last evaluated: 2026-01-20. Review status: criteria provided, single submitter. Criteria: Invitae Variant Classification Sherloc (09022015). Collection method: clinical testing. Allele origin: germline.
Comment: This sequence change replaces glutamic acid, which is acidic and polar, with lysine, which is basic and polar, at codon 537 of the PRKAG2 protein (p.Glu537Lys). This variant is not present in population databases (gnomAD no frequency). This variant has not been reported in the literature in individuals affected with PRKAG2-related conditions. ClinVar contains an entry for this variant (Variation ID: 3631173). Invitae Evidence Modeling of protein sequence and biophysical properties (such as structural, functional, and spatial information, amino acid conservation, physicochemical variation, residue mobility, and thermodynamic stability) indicates that this missense variant is not expected to disrupt PRKAG2 protein function with a negative predictive value of 95%. In summary, the available evidence is currently insufficient to determine the role of this variant in disease. Therefore, it has been classified as a Variant of Uncertain Significance.

NM_016203.4(PRKAG2):c.1609G>A (p.Glu537Lys)

Gene: PRKAG2 (protein kinase AMP-activated non-catalytic subunit gamma 2; minus strand). Cytogenetic location: 7q36.1.
Variant type: single nucleotide variant.
Coding change: c.1609G>A on transcript NM_016203.4 (MANE Select); coding-DNA position 1609, G replaced by A.
Protein change: p.Glu537Lys; replaces glutamic acid 537 with lysine.
Molecular consequence: missense variant.
Genome position (GRCh38, 1-based): chr7:151,560,593, C>T on the plus strand (G>A on the coding strand, the complement: PRKAG2 is on the minus strand). VCF-style: chr7-151560593-C-T. GRCh37 (hg19) VCF-style: chr7-151257679-C-T.
Other names: c.1477G>A, p.Glu493Lys (NM_001040633.2, NM_001407024.1); c.1234G>A, p.Glu412Lys (NM_001304527.2, NM_001407029.1); c.886G>A, p.Glu296Lys (NM_001304531.2, NM_001407034.1, NM_001407035.1 and 1 more transcripts); c.1237G>A, p.Glu413Lys (NM_001363698.2, NM_001407028.1); c.1609G>A, p.Glu537Lys (NM_001407021.1); c.1606G>A, p.Glu536Lys (NM_001407022.1, NM_001407023.1); c.1474G>A, p.Glu492Lys (NM_001407026.1, NM_001407027.1); c.1321G>A, p.Glu441Lys (NM_001407030.1); and 6 more; short protein forms E295K, E296K, E312K, E413K, E431K, E492K, E429K, E441K.
Identifiers: ClinVar variation 3631173 (VCV003631173.2).